The following is an entry in ClinVar:

NM_016955.4(SEPSECS):c.163_164del (p.Leu55fs)

Gene: SEPSECS (Sep (O-phosphoserine) tRNA:Sec (selenocysteine) tRNA synthase; minus strand). Cytogenetic location: 4p15.2.
Variant type: Deletion.
Coding change: c.163_164del on transcript NM_016955.4 (MANE Select); coding-DNA positions 163 to 164, 2 bases deleted (TT; older notation c.163_164delTT).
Protein change: p.Leu55fs; shifts the reading frame from leucine 55.
Molecular consequence: frameshift variant.
Genome position (GRCh38, 1-based): chr4:25,159,058-25,159,059, AA deleted on the plus strand (TT on the coding strand, the reverse complement: SEPSECS is on the minus strand); deleting any 2 consecutive bases within chr4:25,159,058-25,159,062 gives the same sequence; the c. name uses the placement nearest the transcript's 3' end. VCF-style (leftmost placement, unchanged base first): chr4-25159057-TAA-T. GRCh37 (hg19) VCF-style: chr4-25160679-TAA-T.
Other names: c.418_419del, p.Leu140fs (NM_001410714.1); c.160_161delTT, p.Leu55Thrfs (NM_153825.2); c.163_164delTT (NM_016955.3); short protein forms L140fs, L55fs.
Identifiers: ClinVar variation 3004656 (VCV003004656.4), dbSNP rs1471893777, ClinGen allele CA550664294.

ClinVar aggregate classification (germline): Pathogenic/Likely pathogenic. Review status: criteria provided, multiple submitters, no conflicts (2 of 4 stars). 2 submissions from 2 submitters: Pathogenic (1); Likely pathogenic (1). Last evaluated 2025-05-21.

Conditions:
Pontocerebellar hypoplasia type 2D (PCH2D). Also called: Progressive cerebello-cerebral atrophy. Identifiers: Orphanet 247198, Orphanet 2524, MedGen C3151140, MONDO:0013438, OMIM 613811.

Submissions (2):

Natera, Inc.
Classification: Likely pathogenic for Pontocerebellar hypoplasia type 2d. Last evaluated: 2025-05-21. Review status: criteria provided, single submitter. Criteria: Natera Variant Classification Schema (03/2026). Collection method: clinical testing. Allele origin: germline.
Comment: The c.163_164delTT variant in SEPSECS is a frameshift variant predicted to shift the reading frame beginning at codon 55 and leads to a stop codon 2 codons downstream. This variant is expected to result in nonsense mediated decay, truncation, or a dysfunctional protein product. This variant is rare in the general population with a frequency below the threshold expected for the associated phenotype(s). Given the available evidence, this variant is classified as Likely Pathogenic.

Labcorp Genetics (formerly Invitae), Labcorp
Classification: Pathogenic. Last evaluated: 2023-11-27. Review status: criteria provided, single submitter. Criteria: Invitae Variant Classification Sherloc (09022015). Collection method: clinical testing. Allele origin: germline.
Comment: This sequence change creates a premature translational stop signal (p.Leu55Thrfs*2) in the SEPSECS gene. It is expected to result in an absent or disrupted protein product. Loss-of-function variants in SEPSECS are known to be pathogenic (PMID: 25558065, 25590979, 26115735). This variant is present in population databases (no rsID available, gnomAD 0.006%). This variant has not been reported in the literature in individuals affected with SEPSECS-related conditions. For these reasons, this variant has been classified as Pathogenic.

Literature cited by the submitters: PubMed 25558065 (cited by Labcorp Genetics (formerly Invitae), Labcorp); PubMed 25590979 (cited by Labcorp Genetics (formerly Invitae), Labcorp); PubMed 26115735 (cited by Labcorp Genetics (formerly Invitae), Labcorp).